The following is an entry in ClinVar:

NM_000395.3(CSF2RB):c.941C>T (p.Ala314Val)

Gene: CSF2RB (colony stimulating factor 2 receptor subunit beta; plus strand). Cytogenetic location: 22q12.3.
Variant type: single nucleotide variant.
Coding change: c.941C>T on transcript NM_000395.3 (MANE Select); coding-DNA position 941, C replaced by T.
Protein change: p.Ala314Val; replaces alanine 314 with valine.
Molecular consequence: missense variant.
Genome position (GRCh38, 1-based): chr22:36,930,759, C>T. VCF-style: chr22-36930759-C-T. GRCh37 (hg19) VCF-style: chr22-37326801-C-T.
Other names: c.941C>T (NM_000395.2); short protein forms A314V.
Identifiers: ClinVar variation 1430490 (VCV001430490.9), dbSNP rs150251048, ClinGen allele CA10213651.
Genomic context (GRCh38, chr22:36,930,759, plus strand): 5'-GGGAGGGGCTCGGCAGCCTCCACACCAGGCACCACTGCCAGATTCCCGTGCCCGACCCCG[C>T]GACCCACGGCCAATACATCGTCTCTGTTCAGCCAAGGAGGGCAGAGAAACACATAAAGAG-3'
Protein context (NP_000386.1, residues 304-324): HHCQIPVPDP[Ala314Val]THGQYIVSVQ

ClinVar aggregate classification (germline): Uncertain significance. Review status: criteria provided, multiple submitters, no conflicts (2 of 4 stars). 2 submissions from 2 submitters: Uncertain significance (2). Last evaluated 2025-03-24.

Conditions:
Inborn genetic diseases. Identifiers: MedGen C0950123, MeSH D030342.

Allele frequency attached by ClinVar (database versions not stated): ExAC 0.00007; gnomAD exomes 0.00008; gnomAD 0.00015 and 0.00017; TOPMed 0.00019; ESP Exome Variant Server 0.00023.
gnomAD v4.1: 176 of 1,613,884 alleles (0.011%); highest among the groups gnomAD compares: African/African-American, 0.032%; no homozygotes.

Submissions (2):

Labcorp Genetics (formerly Invitae), Labcorp
Classification: Uncertain significance. Last evaluated: 2025-03-24. Review status: criteria provided, single submitter. Criteria: Invitae Variant Classification Sherloc (09022015). Collection method: clinical testing. Allele origin: germline.
Comment: This sequence change replaces alanine, which is neutral and non-polar, with valine, which is neutral and non-polar, at codon 314 of the CSF2RB protein (p.Ala314Val). This variant is present in population databases (rs150251048, gnomAD 0.03%). This variant has not been reported in the literature in individuals affected with CSF2RB-related conditions. ClinVar contains an entry for this variant (Variation ID: 1430490). Invitae Evidence Modeling of protein sequence and biophysical properties (such as structural, functional, and spatial information, amino acid conservation, physicochemical variation, residue mobility, and thermodynamic stability) indicates that this missense variant is not expected to disrupt CSF2RB protein function with a negative predictive value of 80%. In summary, the available evidence is currently insufficient to determine the role of this variant in disease. Therefore, it has been classified as a Variant of Uncertain Significance.

Ambry Genetics
Classification: Uncertain significance for Inborn genetic diseases. Last evaluated: 2021-11-22. Review status: criteria provided, single submitter. Criteria: Ambry Variant Classification Scheme 2023. Collection method: clinical testing. Allele origin: germline.